The following is an entry in ClinVar:

ClinVar aggregate classification (germline): Pathogenic (1 of 4 stars; one submission).

Submission:

Labcorp Genetics (formerly Invitae), Labcorp
Classification: Pathogenic. Last evaluated: 2022-11-08. Review status: criteria provided, single submitter. Criteria: Invitae Variant Classification Sherloc (09022015). Collection method: clinical testing. Allele origin: germline.
Comment: This sequence change creates a premature translational stop signal (p.Gln1475*) in the ABCA4 gene. It is expected to result in an absent or disrupted protein product. Loss-of-function variants in ABCA4 are known to be pathogenic (PMID: 10958761, 24938718, 25312043, 26780318). This variant is not present in population databases (gnomAD no frequency). This variant has not been reported in the literature in individuals affected with ABCA4-related conditions. ClinVar contains an entry for this variant (Variation ID: 1442046). For these reasons, this variant has been classified as Pathogenic.

Literature cited by the submitters: PubMed 10958761; PubMed 24938718; PubMed 25312043; PubMed 26780318.

NM_000350.3(ABCA4):c.4423C>T (p.Gln1475Ter)

Gene: ABCA4 (ATP binding cassette subfamily A member 4; minus strand). Cytogenetic location: 1p22.1.
Variant type: single nucleotide variant.
Coding change: c.4423C>T on transcript NM_000350.3 (MANE Select); coding-DNA position 4423, C replaced by T.
Protein change: p.Gln1475Ter; replaces glutamine 1475 with a stop codon.
Molecular consequence: nonsense.
Genome position (GRCh38, 1-based): chr1:94,029,561, G>A on the plus strand (C>T on the coding strand, the complement: ABCA4 is on the minus strand). VCF-style: chr1-94029561-G-A. GRCh37 (hg19) VCF-style: chr1-94495117-G-A.
Other names: c.4201C>T, p.Gln1401Ter (NM_001425324.1); short protein forms Q1475*, Q1401*.
Identifiers: ClinVar variation 1442046 (VCV001442046.6), dbSNP rs2101033677, ClinGen allele CA341285119.